The following is an entry in ClinVar:

ClinVar aggregate classification (germline): Benign (1 of 4 stars; one submission).

Submission:

ISCA site 4
Classification: Benign. Last evaluated: 2011-08-12. Review status: criteria provided, single submitter. Criteria: Kaminsky et al. (Genet Med. 2011). Collection method: clinical testing. Allele origin: unknown. Affected: yes. Observed: 1 variant allele.
Comment: Copy number variation identified through the course of routine clinical cytogenomic testing in postnatal populations. Clinical assertions have been curated as described in Kaminsky et al. 2011.

GRCh38/hg38 2p12(chr2:82660196-83001824)x1

Gene: LOC112841601 (Sharpr-MPRA regulatory region 13516; plus strand). Cytogenetic location: 2p12.
Variant type: copy number loss.
Change: copy number 1 (one copy instead of two) of chr2:82,660,196-83,001,824 (341.6 kb, GRCh38 coordinates, 1-based), cytogenetic band 2p12.
Identifiers: ClinVar variation 57334 (VCV000057334.1).